The following is an entry in ClinVar:

ClinVar aggregate classification (germline): Likely benign. Review status: criteria provided, multiple submitters, no conflicts (2 of 4 stars). 2 submissions from 2 submitters: Likely benign (2). Last evaluated 2025-12-01.

gnomAD v4.1: 38 of 1,546,350 alleles (0.0025%); highest among the groups gnomAD compares: Non-Finnish European, 0.0033%; no homozygotes.

Submissions (2):

CeGaT Center for Human Genetics Tuebingen
Classification: Likely benign. Last evaluated: 2025-12-01. Review status: criteria provided, single submitter. Criteria: CeGaT Center For Human Genetics Tuebingen Variant Classification Criteria Version 2. Collection method: clinical testing. Allele origin: germline. Affected: yes. Observed: 1 variant allele.
Comment: LAMA5: BP4, BP7

Labcorp Genetics (formerly Invitae), Labcorp
Classification: Likely benign. Last evaluated: 2025-09-03. Review status: criteria provided, single submitter. Criteria: Invitae Variant Classification Sherloc (09022015). Collection method: clinical testing. Allele origin: germline.

NM_005560.6(LAMA5):c.3135C>T (p.Leu1045=)

Gene: LAMA5 (laminin subunit alpha 5; minus strand). Cytogenetic location: 20q13.33.
Variant type: single nucleotide variant.
Coding change: c.3135C>T on transcript NM_005560.6 (MANE Select); coding-DNA position 3135, C replaced by T.
Protein change: p.Leu1045=; no amino-acid change (leucine 1045 retained).
Molecular consequence: synonymous variant.
Genome position (GRCh38, 1-based): chr20:62,333,237, G>A on the plus strand (C>T on the coding strand, the complement: LAMA5 is on the minus strand). VCF-style: chr20-62333237-G-A. GRCh37 (hg19) VCF-style: chr20-60908293-G-A.
Identifiers: ClinVar variation 1989241 (VCV001989241.9), dbSNP rs771613583, ClinGen allele CA9943129.
Genomic context (GRCh38, chr20:62,333,237, plus strand): 5'-ACACAGGGCCTCCAGCCCGGCGGCCGAGGGGAAGCCATCCAGGGGGAGGTGTGTGTAGAG[G>A]AGGCAGCTGGGGGGACACAGGCCGTGGTCAGCCCCAGGTCCACCCAGGTCCCCAGAGACA-3'
Protein context (NP_005551.3, residues 1035-1055): PSAQQSGDNC[Leu1045=]LYTHLPLDGF